The following is an entry in ClinVar:

NM_002661.5(PLCG2):c.32C>T (p.Ala11Val)

Gene: PLCG2 (phospholipase C gamma 2; plus strand). Cytogenetic location: 16q23.3.
Variant type: single nucleotide variant.
Coding change: c.32C>T on transcript NM_002661.5 (MANE Select); coding-DNA position 32, C replaced by T.
Protein change: p.Ala11Val; replaces alanine 11 with valine.
Molecular consequence: missense variant.
Genome position (GRCh38, 1-based): chr16:81,786,021, C>T. VCF-style: chr16-81786021-C-T. GRCh37 (hg19) VCF-style: chr16-81819626-C-T.
Other names: p.Ala11Val; c.32C>T (NM_002661.3); short protein forms A11V.
Identifiers: ClinVar variation 1418802 (VCV001418802.10), dbSNP rs753458249, ClinGen allele CA8193008.

ClinVar aggregate classification (germline): Uncertain significance. Review status: criteria provided, multiple submitters, no conflicts (2 of 4 stars). 5 submissions from 5 submitters: Uncertain significance (5). Last evaluated 2026-01-23.

Conditions:
Familial cold autoinflammatory syndrome 3 (FCAS3). Also called: FAMILIAL ATYPICAL COLD URTICARIA; ANTIBODY DEFICIENCY AND IMMUNE DYSREGULATION, PLCG2-ASSOCIATED. Identifiers: Orphanet 300359, MedGen C3280914, MONDO:0013766, OMIM 614468.
Autoinflammation-PLCG2-associated antibody deficiency-immune dysregulation. Also called: Autoinflammation, antibody deficiency, and immune dysregulation syndrome; Autoinflammation, antibody deficiency, and immune dysregulation, plcg2-associated; AUTOINFLAMMATION, ANTIBODY DEFICIENCY, AND IMMUNE DYSREGULATION. Identifiers: Orphanet 324530, MedGen C3553961, MONDO:0013944, OMIM 614878.
Inborn genetic diseases. Identifiers: MedGen C0950123, MeSH D030342.

Allele frequency attached by ClinVar (database versions not stated): ExAC 0.00003; gnomAD exomes 0.00006.
gnomAD v4.1: 90 of 1,614,132 alleles (0.0056%); highest among the groups gnomAD compares: Admixed American, 0.025%; no homozygotes.

Submissions (5):

Labcorp Genetics (formerly Invitae), Labcorp
Classification: Uncertain significance for Familial cold autoinflammatory syndrome 3. Last evaluated: 2026-01-23. Review status: criteria provided, single submitter. Criteria: Invitae Variant Classification Sherloc (09022015). Collection method: clinical testing. Allele origin: germline.
Comment: This sequence change replaces alanine, which is neutral and non-polar, with valine, which is neutral and non-polar, at codon 11 of the PLCG2 protein (p.Ala11Val). This variant is present in population databases (rs753458249, gnomAD 0.03%). This variant has not been reported in the literature in individuals affected with PLCG2-related conditions. ClinVar contains an entry for this variant (Variation ID: 1418802). An algorithm developed to predict the effect of missense changes on protein structure and function (PolyPhen-2) suggests that this variant is likely to be tolerated. In summary, the available evidence is currently insufficient to determine the role of this variant in disease. Therefore, it has been classified as a Variant of Uncertain Significance.

Mayo Clinic Laboratories, Mayo Clinic
Classification: Uncertain significance. Last evaluated: 2024-08-13. Review status: criteria provided, single submitter. Criteria: ACMG Guidelines, 2015. Collection method: clinical testing. Allele origin: germline. Observed: 2 variant alleles.
Comment: BP4

Ambry Genetics
Classification: Uncertain significance for Inborn genetic diseases. Last evaluated: 2022-05-27. Review status: criteria provided, single submitter. Criteria: Ambry Variant Classification Scheme 2023. Collection method: clinical testing. Allele origin: germline.

Fulgent Genetics
Classification: Uncertain significance for Familial cold autoinflammatory syndrome 3; Autoinflammation-PLCG2-associated antibody deficiency-immune dysregulation. Last evaluated: 2022-04-19. Review status: criteria provided, single submitter. Criteria: ACMG Guidelines, 2015. Collection method: clinical testing. Allele origin: unknown.

Breakthrough Genomics
Classification: Uncertain significance. Review status: criteria provided, single submitter. Criteria: ACMG Guidelines, 2015. Collection method: not provided. Allele origin: germline. Inheritance: Autosomal dominant inheritance. Affected: yes.